The following is an entry in ClinVar:

ClinVar aggregate classification (germline): Uncertain significance (1 of 4 stars; one submission).

Conditions:
Ehlers-Danlos syndrome, musculocontractural type (EDSMC). Also called: Adducted thumb, clubfoot, progressive joint and skin laxity syndrome; ADDUCTED THUMB-CLUBFOOT SYNDROME; DUNDAR SYNDROME; ARTHROGRYPOSIS, DISTAL, WITH PECULIAR FACIES AND HYDRONEPHROSIS. Identifiers: Orphanet 2953, MedGen C1866294, MONDO:0011142.

Submission:

Labcorp Genetics (formerly Invitae), Labcorp
Classification: Uncertain significance for Ehlers-Danlos syndrome, musculocontractural type. Last evaluated: 2021-01-31. Review status: criteria provided, single submitter. Criteria: Invitae Variant Classification Sherloc (09022015). Collection method: clinical testing. Allele origin: germline.
Comment: In summary, the available evidence is currently insufficient to determine the role of this variant in disease. Therefore, it has been classified as a Variant of Uncertain Significance. This sequence change replaces valine with methionine at codon 51 of the CHST14 protein (p.Val51Met). The valine residue is moderately conserved and there is a small physicochemical difference between valine and methionine. The frequency data for this variant in the population databases is considered unreliable, as metrics indicate insufficient coverage at this position in the ExAC database. This variant has not been reported in the literature in individuals with CHST14-related conditions. Algorithms developed to predict the effect of missense changes on protein structure and function are either unavailable or do not agree on the potential impact of this missense change (SIFT: "Deleterious"; PolyPhen-2: "Possibly Damaging"; Align-GVGD: "Class C0").

NM_130468.4(CHST14):c.151G>A (p.Val51Met)

Genes: CHST14 (carbohydrate sulfotransferase 14; plus strand), LOC130056851 (ATAC-STARR-seq lymphoblastoid silent region 6336; plus strand). Cytogenetic location: 15q15.1.
Variant type: single nucleotide variant.
Coding change: c.151G>A on transcript NM_130468.4 (MANE Select); coding-DNA position 151, G replaced by A.
Protein change: p.Val51Met; replaces valine 51 with methionine.
Molecular consequence: missense variant.
Genome position (GRCh38, 1-based): chr15:40,471,364, G>A. VCF-style: chr15-40471364-G-A. GRCh37 (hg19) VCF-style: chr15-40763563-G-A.
Other names: short protein forms V51M.
Identifiers: ClinVar variation 1510690 (VCV001510690.7), dbSNP rs199749498, ClinGen allele CA391763925.
Genomic context (GRCh38, chr15:40,471,364, plus strand): 5'-CGGGCGGGGCTGGGTGGGCCGCCCCTGCTGCTGCCGTCCATGCTGATGTTTGCGGTGATC[G>A]TGGCCTCCAGCGGGCTGCTGCTCATGATCGAGCGGGGCATCCTGGCCGAGATGAAGCCCC-3'
Protein context (NP_569735.1, residues 41-61): LPSMLMFAVI[Val51Met]ASSGLLLMIE